The following is an entry in ClinVar:

NM_001128228.3(TPRN):c.1486C>T (p.Arg496Trp)

Gene: TPRN (taperin; minus strand). Cytogenetic location: 9q34.3.
Variant type: single nucleotide variant.
Coding change: c.1486C>T on transcript NM_001128228.3 (MANE Select); coding-DNA position 1486, C replaced by T.
Protein change: p.Arg496Trp; replaces arginine 496 with tryptophan.
Molecular consequence: missense variant.
Genome position (GRCh38, 1-based): chr9:137,199,226, G>A on the plus strand (C>T on the coding strand, the complement: TPRN is on the minus strand). VCF-style: chr9-137199226-G-A. GRCh37 (hg19) VCF-style: chr9-140093678-G-A.
Other names: short protein forms R496W.
Identifiers: ClinVar variation 1708579 (VCV001708579.7), dbSNP rs755042394, ClinGen allele CA5362727.
Genomic context (GRCh38, chr9:137,199,226, plus strand): 5'-GCTGGTCCTGCAGAGTCCCTGGCTTCCTCTTGGGCACCACTGTGAAGGTGTTGCTGCCCC[G>A]GGGCTGAAGCTCTGCCACGCACCCGGGCCTGGCAGGGTGCAGAGGCCTGGCAGGGTGCGG-3'
Protein context (NP_001121700.2, residues 486-506): RPGCVAELQP[Arg496Trp]GSNTFTVVPK

ClinVar aggregate classification (germline): Uncertain significance. Review status: criteria provided, multiple submitters, no conflicts (2 of 4 stars). 2 submissions from 2 submitters: Uncertain significance (2). Last evaluated 2025-07-11.

Allele frequency attached by ClinVar (database versions not stated): ExAC 0.00001; gnomAD exomes 0.00001; TOPMed 0.00002; gnomAD 0.00003.
gnomAD v4.1: 21 of 1,612,906 alleles (0.0013%); highest among the groups gnomAD compares: African/African-American, 0.0067%; no homozygotes.

Submissions (2):

Labcorp Genetics (formerly Invitae), Labcorp
Classification: Uncertain significance. Last evaluated: 2025-07-11. Review status: criteria provided, single submitter. Criteria: Invitae Variant Classification Sherloc (09022015). Collection method: clinical testing. Allele origin: germline.
Comment: This sequence change replaces arginine, which is basic and polar, with tryptophan, which is neutral and slightly polar, at codon 496 of the TPRN protein (p.Arg496Trp). This variant is present in population databases (rs755042394, gnomAD 0.008%). This variant has not been reported in the literature in individuals affected with TPRN-related conditions. ClinVar contains an entry for this variant (Variation ID: 1708579). Invitae Evidence Modeling of protein sequence and biophysical properties (such as structural, functional, and spatial information, amino acid conservation, physicochemical variation, residue mobility, and thermodynamic stability) has been performed for this missense variant. However, the output from this modeling did not meet the statistical confidence thresholds required to predict the impact of this variant on TPRN protein function. In summary, the available evidence is currently insufficient to determine the role of this variant in disease. Therefore, it has been classified as a Variant of Uncertain Significance.

GeneDx
Classification: Uncertain significance. Last evaluated: 2022-04-06. Review status: criteria provided, single submitter. Criteria: GeneDx Variant Classification Process June 2021. Collection method: clinical testing. Allele origin: germline. Affected: yes.
Comment: In silico analysis supports that this missense variant has a deleterious effect on protein structure/function; Has not been previously published as pathogenic or benign to our knowledge